The following is an entry in ClinVar:

NM_001083962.2(TCF4):c.370-243A>T

Gene: TCF4 (transcription factor 4; minus strand). Cytogenetic location: 18q21.2.
Variant type: single nucleotide variant.
Coding change: c.370-243A>T on transcript NM_001083962.2 (MANE Select); 243 bases into the intron before coding-DNA position 370, A replaced by T.
Molecular consequence: intron variant.
Genome position (GRCh38, 1-based): chr18:55,351,246, T>A on the plus strand (A>T on the coding strand, the complement: TCF4 is on the minus strand). VCF-style: chr18-55351246-T-A. GRCh37 (hg19) VCF-style: chr18-53018477-T-A.
Other names: c.676-243A>T (NM_001243226.3); c.298-246A>T (NM_001369584.1, NM_001369576.1, NM_001369585.1 and 3 more transcripts); c.298-243A>T (NM_001369577.1, NM_001369582.1, NM_001243227.2 and 9 more transcripts); c.370-243A>T (NM_001369571.1, NM_001369567.1, NM_001243228.2 and 5 more transcripts); c.364-243A>T (NM_001243230.2); c.370-246A>T (NM_001369569.1, NM_001369573.1, NM_001369570.1); c.244-243A>T (NM_001243231.2, NM_001348211.2); c.-18-246A>T (NM_001348212.2); and 2 more.
Identifiers: ClinVar variation 677408 (VCV000677408.1), dbSNP rs115898885, ClinGen allele CA301134274.

ClinVar aggregate classification (germline): Likely benign (1 of 4 stars; one submission).

Allele frequency attached by ClinVar (database versions not stated): gnomAD 0.00696 and 0.00738; TOPMed 0.00770; 1000 Genomes Project 30x 0.01109; 1000 Genomes Project 0.01138.
gnomAD v4.1: 1,433 of 460,302 alleles (0.31%); highest among the groups gnomAD compares: African/African-American, 2.4%; 24 homozygotes.

Submission:

GeneDx
Classification: Likely benign. Last evaluated: 2018-06-14. Review status: criteria provided, single submitter. Criteria: GeneDx Variant Classification (06012015). Collection method: clinical testing. Allele origin: germline. Affected: yes.
Comment: This variant is considered likely benign or benign based on one or more of the following criteria: it is a conservative change, it occurs at a poorly conserved position in the protein, it is predicted to be benign by multiple in silico algorithms, and/or has population frequency not consistent with disease.